The following is an entry in ClinVar:

ClinVar aggregate classification (germline): Uncertain significance. Review status: criteria provided, multiple submitters, no conflicts (2 of 4 stars). 2 submissions from 2 submitters: Uncertain significance (2). Last evaluated 2025-08-03.

Conditions:
Cardiac arrhythmia. Also called: Cardiac rhythm disease; Arrhythmia. Identifiers: MedGen C0003811, MONDO:0007263, HP:0011675.

Allele frequency attached by ClinVar (database versions not stated): gnomAD exomes below 0.00001 and 0.00001; TOPMed below 0.00001; ExAC 0.00001; gnomAD 0.00001.

Submissions (2):

Labcorp Genetics (formerly Invitae), Labcorp
Classification: Uncertain significance for Cardiac arrhythmia. Last evaluated: 2025-08-03. Review status: criteria provided, single submitter. Criteria: Invitae Variant Classification Sherloc (09022015). Collection method: clinical testing. Allele origin: germline.
Comment: This sequence change replaces arginine, which is basic and polar, with histidine, which is basic and polar, at codon 98 of the RANGRF protein (p.Arg98His). This variant is present in population databases (rs778079030, gnomAD 0.006%). This variant has not been reported in the literature in individuals affected with RANGRF-related conditions. ClinVar contains an entry for this variant (Variation ID: 946490). An algorithm developed to predict the effect of missense changes on protein structure and function (PolyPhen-2) suggests that this variant is likely to be tolerated. In summary, the available evidence is currently insufficient to determine the role of this variant in disease. Therefore, it has been classified as a Variant of Uncertain Significance.

Ambry Genetics
Classification: Uncertain significance. Last evaluated: 2022-11-21. Review status: criteria provided, single submitter. Criteria: Ambry Variant Classification Scheme 2023. Collection method: clinical testing. Allele origin: germline.

NM_016492.5(RANGRF):c.293G>A (p.Arg98His)

Genes: RANGRF (RAN guanine nucleotide release factor; plus strand), SLC25A35 (solute carrier family 25 member 35; minus strand), LOC130060243 (ATAC-STARR-seq lymphoblastoid active region 11694; plus strand). Cytogenetic location: 17p13.1.
Variant type: single nucleotide variant.
Coding change: c.293G>A on transcript NM_016492.5 (MANE Select); coding-DNA position 293, G replaced by A.
Protein change: p.Arg98His; replaces arginine 98 with histidine.
Molecular consequence: missense variant. On other transcripts: 3 prime UTR variant (2), non-coding transcript variant (2), intron variant (1).
Genome position (GRCh38, 1-based): chr17:8,289,356, G>A. VCF-style: chr17-8289356-G-A. GRCh37 (hg19) VCF-style: chr17-8192674-G-A.
Other names: c.293G>A, p.Arg98His (NM_001177801.2, NM_001177802.2, NM_001330127.2); c.*127C>T (NM_001320872.2); c.*260C>T (NM_201520.3); c.*42+218C>T (NM_001320871.2); short protein forms R98H.
Identifiers: ClinVar variation 946490 (VCV000946490.12), dbSNP rs778079030, ClinGen allele CA8374381.
Genomic context (GRCh38, chr17:8,289,356, plus strand): 5'-GGGCTGTCCATGTGGAGTCTGTTCAGCCTCTCAGTTTGGAGAACCTGGCCCTGAGGGGCC[G>A]CTGTCAAGAAGCCTGGGTCCTCTCTGGCAAGCAGCAGATAGCTAAGGAAAACCAGCAGGT-3'
Protein context (NP_057576.2, residues 88-108): LSLENLALRG[Arg98His]CQEAWVLSGK